The following is an entry in ClinVar:

ClinVar aggregate classification (germline): Uncertain significance (1 of 4 stars; one submission).

Submission:

Labcorp Genetics (formerly Invitae), Labcorp
Classification: Uncertain significance. Last evaluated: 2024-02-04. Review status: criteria provided, single submitter. Criteria: Invitae Variant Classification Sherloc (09022015). Collection method: clinical testing. Allele origin: germline.
Comment: This sequence change replaces isoleucine, which is neutral and non-polar, with methionine, which is neutral and non-polar, at codon 1287 of the NPAT protein (p.Ile1287Met). This variant is not present in population databases (gnomAD no frequency). This variant has not been reported in the literature in individuals affected with NPAT-related conditions. Algorithms developed to predict the effect of missense changes on protein structure and function output the following: SIFT: "Not Available"; PolyPhen-2: "Benign"; Align-GVGD: "Not Available". The methionine amino acid residue is found in multiple mammalian species, which suggests that this missense change does not adversely affect protein function. In summary, the available evidence is currently insufficient to determine the role of this variant in disease. Therefore, it has been classified as a Variant of Uncertain Significance.

NM_002519.3(NPAT):c.3861C>G (p.Ile1287Met)

Gene: NPAT (nuclear protein, coactivator of histone transcription; minus strand). Cytogenetic location: 11q22.3.
Variant type: single nucleotide variant.
Coding change: c.3861C>G on transcript NM_002519.3 (MANE Select); coding-DNA position 3861, C replaced by G.
Protein change: p.Ile1287Met; replaces isoleucine 1287 with methionine.
Molecular consequence: missense variant.
Genome position (GRCh38, 1-based): chr11:108,161,225, G>C on the plus strand (C>G on the coding strand, the complement: NPAT is on the minus strand). VCF-style: chr11-108161225-G-C. GRCh37 (hg19) VCF-style: chr11-108031952-G-C.
Other names: c.3882C>G, p.Ile1294Met (NM_001321307.1); short protein forms I1287M, I1294M.
Identifiers: ClinVar variation 3631764 (VCV003631764.2).
Genomic context (GRCh38, chr11:108,161,225, plus strand): 5'-AGGGACCATTACTTTTGATGTACTACTGTCTTCACTGAAACGCCTACTAGAGGGGGCCTT[G>C]ATAATATCTATAGGTTCTTCTTTATGTTTTTCCCCTGCCCCTGAGCCAGGTGTCCGGGGC-3'
Protein context (NP_002510.2, residues 1277-1297): EKHKEEPIDI[Ile1287Met]KAPSSRRFSE